The following is an entry in ClinVar:

NM_000093.5(COL5A1):c.2844+20G>A

Gene: COL5A1 (collagen type V alpha 1 chain; plus strand). Cytogenetic location: 9q34.3.
Variant type: single nucleotide variant.
Coding change: c.2844+20G>A on transcript NM_000093.5 (MANE Select); 20 bases into the intron after coding-DNA position 2844, G replaced by A.
Molecular consequence: intron variant.
Genome position (GRCh38, 1-based): chr9:134,796,438, G>A. VCF-style: chr9-134796438-G-A. GRCh37 (hg19) VCF-style: chr9-137688284-G-A.
Other names: c.2844+20G>A (NM_001278074.1).
Identifiers: ClinVar variation 212897 (VCV000212897.10), dbSNP rs200916696, ClinGen allele CA322737.

ClinVar aggregate classification (germline): Benign/Likely benign. Review status: criteria provided, multiple submitters, no conflicts (2 of 4 stars). 7 submissions from 6 submitters: Benign (4); Likely benign (3). Last evaluated 2025-12-03.

Conditions:
Fibromuscular dysplasia, multifocal. Identifiers: MedGen C5543412, MONDO:0859151, OMIM 619329.
Ehlers-Danlos syndrome, classic type, 1 (EDSCL1). Also called: Ehlers-Danlos syndrome, type 1; EHLERS-DANLOS SYNDROME, GRAVIS TYPE; EHLERS-DANLOS SYNDROME, SEVERE CLASSIC TYPE; Ehlers-Danlos Syndrome, Classic Type, COL5A1-Related; EDS I. Identifiers: MedGen C0268335, MONDO:0019567, OMIM 130000.

Allele frequency attached by ClinVar (database versions not stated): TOPMed 0.00014; gnomAD 0.00019; ESP Exome Variant Server 0.00031.

Submissions (7):

Labcorp Genetics (formerly Invitae), Labcorp
Classification: Likely benign for Ehlers-Danlos syndrome, classic type, 1. Last evaluated: 2025-12-03. Review status: criteria provided, single submitter. Criteria: Invitae Variant Classification Sherloc (09022015). Collection method: clinical testing. Allele origin: germline.

Women's Health and Genetics/Laboratory Corporation of America, LabCorp
Classification: Benign. Last evaluated: 2024-11-19. Review status: criteria provided, single submitter. Criteria: LabCorp Variant Classification Summary - May 2015. Collection method: clinical testing. Allele origin: germline.

Blueprint Genetics
Classification: Likely benign. Last evaluated: 2024-08-09. Review status: criteria provided, single submitter. Criteria: ACMG Guidelines, 2015. Collection method: clinical testing. Allele origin: germline.

Genome-Nilou Lab
Classification: Benign for Ehlers-Danlos syndrome, classic type, 1. Last evaluated: 2022-03-15. Review status: criteria provided, single submitter. Criteria: ACMG Guidelines, 2015. Collection method: clinical testing. Allele origin: germline. Affected: no.

Genome-Nilou Lab
Classification: Benign for Fibromuscular dysplasia, multifocal. Last evaluated: 2022-03-15. Review status: criteria provided, single submitter. Criteria: ACMG Guidelines, 2015. Collection method: clinical testing. Allele origin: germline. Affected: no.

GeneDx
Classification: Benign. Last evaluated: 2015-05-27. Review status: criteria provided, single submitter. Criteria: GeneDx Variant Classification (06012015). Collection method: clinical testing. Allele origin: germline. Affected: yes.
Comment: This variant is considered likely benign or benign based on one or more of the following criteria: it is a conservative change, it occurs at a poorly conserved position in the protein, it is predicted to be benign by multiple in silico algorithms, and/or has population frequency not consistent with disease.

PreventionGenetics, part of Exact Sciences
Classification: Likely benign. Review status: criteria provided, single submitter. Criteria: ACMG Guidelines, 2015. Collection method: clinical testing. Allele origin: germline.